The following is an entry in ClinVar:

ClinVar aggregate classification (germline): Uncertain significance. Review status: criteria provided, multiple submitters, no conflicts (2 of 4 stars). 2 submissions from 2 submitters: Uncertain significance (2). Last evaluated 2025-04-25.

Conditions:
Inborn genetic diseases. Identifiers: MedGen C0950123, MeSH D030342.

Allele frequency attached by ClinVar (database versions not stated): gnomAD 0.00001; TOPMed 0.00001.
gnomAD v4.1: 1 of 1,613,826 alleles (0.000062%); highest among the groups gnomAD compares: African/African-American, 0.0013%; no homozygotes.

Submissions (2):

Ambry Genetics
Classification: Uncertain significance for Inborn genetic diseases. Last evaluated: 2025-04-25. Review status: criteria provided, single submitter. Criteria: Ambry Variant Classification Scheme 2023. Collection method: clinical testing. Allele origin: germline.

Labcorp Genetics (formerly Invitae), Labcorp
Classification: Uncertain significance. Last evaluated: 2024-08-30. Review status: criteria provided, single submitter. Criteria: Invitae Variant Classification Sherloc (09022015). Collection method: clinical testing. Allele origin: germline.
Comment: This sequence change replaces lysine, which is basic and polar, with glutamine, which is neutral and polar, at codon 304 of the SLC45A2 protein (p.Lys304Gln). This variant is not present in population databases (gnomAD no frequency). This variant has not been reported in the literature in individuals affected with SLC45A2-related conditions. ClinVar contains an entry for this variant (Variation ID: 1520321). Invitae Evidence Modeling of protein sequence and biophysical properties (such as structural, functional, and spatial information, amino acid conservation, physicochemical variation, residue mobility, and thermodynamic stability) indicates that this missense variant is not expected to disrupt SLC45A2 protein function with a negative predictive value of 80%. In summary, the available evidence is currently insufficient to determine the role of this variant in disease. Therefore, it has been classified as a Variant of Uncertain Significance.

NM_016180.5(SLC45A2):c.910A>C (p.Lys304Gln)

Gene: SLC45A2 (solute carrier family 45 member 2; minus strand). Cytogenetic location: 5p13.2.
Variant type: single nucleotide variant.
Coding change: c.910A>C on transcript NM_016180.5 (MANE Select); coding-DNA position 910, A replaced by C.
Protein change: p.Lys304Gln; replaces lysine 304 with glutamine.
Molecular consequence: missense variant.
Genome position (GRCh38, 1-based): chr5:33,954,483, T>G on the plus strand (A>C on the coding strand, the complement: SLC45A2 is on the minus strand). VCF-style: chr5-33954483-T-G. GRCh37 (hg19) VCF-style: chr5-33954588-T-G.
Other names: c.910A>C (NM_016180.3); c.910A>C, p.Lys304Gln (NM_001012509.4); c.584A>C, p.Lys195Thr (NM_001297417.4); short protein forms K304Q, K195T.
Identifiers: ClinVar variation 1520321 (VCV001520321.7), dbSNP rs1259041586, ClinGen allele CA359390961.